The following is an entry in ClinVar:

ClinVar aggregate classification (germline): Uncertain significance. Review status: criteria provided, multiple submitters, no conflicts (2 of 4 stars). 2 submissions from 2 submitters: Uncertain significance (2). Last evaluated 2022-12-07.

Conditions:
Branchiootic syndrome 1 (BOS1). Also called: BO SYNDROME 1; BRANCHIOOTIC DYSPLASIA. Identifiers: MedGen C1865143, MONDO:0011258, OMIM 602588.
Branchiootorenal syndrome 1. Also called: Branchio-Oto-Renal Syndrome 1. Identifiers: Orphanet 107, MedGen C4551702, MONDO:0007236, OMIM 113650.
Otofaciocervical syndrome 1 (OTFCS). Identifiers: MedGen C3714941, MONDO:0024532, OMIM 166780.

Allele frequency attached by ClinVar (database versions not stated): gnomAD exomes below 0.00001; gnomAD 0.00001; TOPMed 0.00001.
gnomAD v4.1: 3 of 1,612,244 alleles (0.00019%); highest among the groups gnomAD compares: Middle Eastern, 0.016%; no homozygotes.

Submissions (2):

GeneDx
Classification: Uncertain significance. Last evaluated: 2022-12-07. Review status: criteria provided, single submitter. Criteria: GeneDx Variant Classification Process June 2021. Collection method: clinical testing. Allele origin: germline. Affected: yes.
Comment: Not observed at significant frequency in large population cohorts (gnomAD); In silico analysis supports that this missense variant has a deleterious effect on protein structure/function; Has not been previously published as pathogenic or benign to our knowledge

Juno Genomics, Hangzhou Juno Genomics, Inc
Classification: Uncertain significance for Otofaciocervical syndrome 1; Branchiootic syndrome 1; Branchiootorenal syndrome 1. Review status: criteria provided, single submitter. Criteria: ACMG Guidelines, 2015. Collection method: clinical testing. Allele origin: germline.
Comment: Absent from controls (or at extremely low frequency if recessive) in Genome Aggregation Database.;Multiple lines of computational evidence support a deleterious effect on the gene or gene product.

NM_000503.6(EYA1):c.1145G>A (p.Cys382Tyr)

Gene: EYA1 (EYA transcriptional coactivator and phosphatase 1; minus strand). Cytogenetic location: 8q13.3.
Variant type: single nucleotide variant.
Coding change: c.1145G>A on transcript NM_000503.6 (MANE Select); coding-DNA position 1145, G replaced by A.
Protein change: p.Cys382Tyr; replaces cysteine 382 with tyrosine.
Molecular consequence: missense variant.
Genome position (GRCh38, 1-based): chr8:71,217,019, C>T on the plus strand (G>A on the coding strand, the complement: EYA1 is on the minus strand). VCF-style: chr8-71217019-C-T. GRCh37 (hg19) VCF-style: chr8-72129254-C-T.
Other names: c.1127G>A, p.Cys376Tyr (NM_001288574.2, NM_172059.5); c.779G>A, p.Cys260Tyr (NM_001288575.2); c.1232G>A, p.Cys411Tyr (NM_001370333.1); c.1145G>A, p.Cys382Tyr (NM_001370334.1, NM_001370335.1, NM_172058.4); c.1124G>A, p.Cys375Tyr (NM_001370336.1); c.1046G>A, p.Cys349Tyr (NM_001411797.1, NM_172060.4); short protein forms C260Y, C349Y, C375Y, C376Y, C382Y, C411Y.
Identifiers: ClinVar variation 2504948 (VCV002504948.3), dbSNP rs1385811609, ClinGen allele CA371467049.